The following is an entry in ClinVar:

ClinVar aggregate classification (germline): Uncertain significance (1 of 4 stars; one submission).

Allele frequency attached by ClinVar (database versions not stated): TOPMed 0.00001; ExAC 0.00002; gnomAD exomes 0.00002; gnomAD 0.00003.

Submission:

Labcorp Genetics (formerly Invitae), Labcorp
Classification: Uncertain significance. Last evaluated: 2025-04-07. Review status: criteria provided, single submitter. Criteria: Invitae Variant Classification Sherloc (09022015). Collection method: clinical testing. Allele origin: germline.
Comment: This sequence change replaces arginine, which is basic and polar, with histidine, which is basic and polar, at codon 201 of the SIAE protein (p.Arg201His). This variant is present in population databases (rs34748390, gnomAD 0.004%). This variant has not been reported in the literature in individuals affected with SIAE-related conditions. ClinVar contains an entry for this variant (Variation ID: 1386931). An algorithm developed to predict the effect of missense changes on protein structure and function (PolyPhen-2) suggests that this variant is likely to be disruptive. In summary, the available evidence is currently insufficient to determine the role of this variant in disease. Therefore, it has been classified as a Variant of Uncertain Significance.

NM_170601.5(SIAE):c.602G>A (p.Arg201His)

Gene: SIAE (sialic acid acetylesterase; minus strand). Cytogenetic location: 11q24.2.
Variant type: single nucleotide variant.
Coding change: c.602G>A on transcript NM_170601.5 (MANE Select); coding-DNA position 602, G replaced by A.
Protein change: p.Arg201His; replaces arginine 201 with histidine.
Molecular consequence: missense variant.
Genome position (GRCh38, 1-based): chr11:124,649,739, C>T on the plus strand (G>A on the coding strand, the complement: SIAE is on the minus strand). VCF-style: chr11-124649739-C-T. GRCh37 (hg19) VCF-style: chr11-124519635-C-T.
Other names: c.497G>A, p.Arg166His (NM_001199922.2); short protein forms R166H, R201H.
Identifiers: ClinVar variation 1386931 (VCV001386931.8), dbSNP rs34748390, ClinGen allele CA6341464.
Genomic context (GRCh38, chr11:124,649,739, plus strand): 5'-GTCCCGCCCCAGCTGGAGGCGATCAGCCCGATGGGATACTGCAGAGTGTCATAAAGGTGA[C>T]GTCCAAAGAGCCAGCACACTGCTGACATGTACTTGAAATATCCATGGCCTAAGTTTTCTG-3'
Protein context (NP_733746.1, residues 191-211): YMSAVCWLFG[Arg201His]HLYDTLQYPI